The following is an entry in ClinVar:

NM_198506.5(LRIT3):c.1059A>G (p.Ile353Met)

Gene: LRIT3 (leucine rich repeat, Ig-like and transmembrane domains 3; plus strand). Cytogenetic location: 4q25.
Variant type: single nucleotide variant.
Coding change: c.1059A>G on transcript NM_198506.5 (MANE Select); coding-DNA position 1059, A replaced by G.
Protein change: p.Ile353Met; replaces isoleucine 353 with methionine.
Molecular consequence: missense variant.
Genome position (GRCh38, 1-based): chr4:109,869,808, A>G. VCF-style: chr4-109869808-A-G. GRCh37 (hg19) VCF-style: chr4-110790964-A-G.
Other names: short protein forms I353M.
Identifiers: ClinVar variation 971383 (VCV000971383.7), dbSNP rs1579382849, ClinGen allele CA357870210.

ClinVar aggregate classification (germline): Uncertain significance (1 of 4 stars; one submission).

Submission:

Labcorp Genetics (formerly Invitae), Labcorp
Classification: Uncertain significance. Last evaluated: 2023-07-03. Review status: criteria provided, single submitter. Criteria: Invitae Variant Classification Sherloc (09022015). Collection method: clinical testing. Allele origin: germline.
Comment: In summary, the available evidence is currently insufficient to determine the role of this variant in disease. Therefore, it has been classified as a Variant of Uncertain Significance. An algorithm developed to predict the effect of missense changes on protein structure and function (PolyPhen-2) suggests that this variant is likely to be tolerated. ClinVar contains an entry for this variant (Variation ID: 971383). This variant has not been reported in the literature in individuals affected with LRIT3-related conditions. This variant is not present in population databases (gnomAD no frequency). This sequence change replaces isoleucine, which is neutral and non-polar, with methionine, which is neutral and non-polar, at codon 353 of the LRIT3 protein (p.Ile353Met).